The following is an entry in ClinVar:

NM_024757.5(EHMT1):c.302C>G (p.Ser101Ter)

Gene: EHMT1 (euchromatic histone lysine methyltransferase 1; plus strand). Cytogenetic location: 9q34.3.
Variant type: single nucleotide variant.
Coding change: c.302C>G on transcript NM_024757.5 (MANE Select); coding-DNA position 302, C replaced by G.
Protein change: p.Ser101Ter; replaces serine 101 with a stop codon.
Molecular consequence: nonsense.
Genome position (GRCh38, 1-based): chr9:137,716,842, C>G. VCF-style: chr9-137716842-C-G. GRCh37 (hg19) VCF-style: chr9-140611294-C-G.
Other names: c.209C>G, p.Ser70Ter (NM_001354612.2, NM_001354259.2); c.302C>G, p.Ser101Ter (NM_001145527.2, NM_001354263.2, NM_001354611.2); short protein forms S101*, S70*.
Identifiers: ClinVar variation 426692 (VCV000426692.4), dbSNP rs1085307748, ClinGen allele CA375764281.

ClinVar aggregate classification (germline): Pathogenic (1 of 4 stars; one submission).

Submission:

GeneDx
Classification: Pathogenic. Last evaluated: 2023-09-20. Review status: criteria provided, single submitter. Criteria: GeneDx Variant Classification Process June 2021. Collection method: clinical testing. Allele origin: germline. Affected: yes.
Comment: Nonsense variant predicted to result in protein truncation or nonsense mediated decay in a gene for which loss of function is a known mechanism of disease; Not observed at significant frequency in large population cohorts (gnomAD); Has not been previously published as pathogenic or benign to our knowledge